The following is an entry in ClinVar:

ClinVar aggregate classification (germline): Benign/Likely benign. Review status: criteria provided, multiple submitters, no conflicts (2 of 4 stars). 6 submissions from 6 submitters: Benign (3); Likely benign (2). 1 of the submissions does not count toward it. Last evaluated 2026-01-24.

Conditions:
Ehlers-Danlos syndrome, dermatosparaxis type. Also called: EDS VIIC; Dermatosparaxis; Ehlers-Danlos syndrome, type VII, autosomal recessive. Identifiers: Orphanet 1901, MedGen C2700425, MONDO:0009161, OMIM 225410.

Allele frequency attached by ClinVar (database versions not stated): gnomAD exomes 0.00043 and 0.00112; ExAC 0.00139; 1000 Genomes Project 30x 0.00344; 1000 Genomes Project 0.00359; gnomAD 0.00421 and 0.00461; TOPMed 0.00493; ESP Exome Variant Server 0.00546.
gnomAD v4.1: 1,285 of 1,613,954 alleles (0.08%); highest among the groups gnomAD compares: African/African-American, 1.5%; 11 homozygotes.

Submissions (6):

Labcorp Genetics (formerly Invitae), Labcorp
Classification: Benign for Ehlers-Danlos syndrome, dermatosparaxis type. Last evaluated: 2026-01-24. Review status: criteria provided, single submitter. Criteria: Invitae Variant Classification Sherloc (09022015). Collection method: clinical testing. Allele origin: germline.

Women's Health and Genetics/Laboratory Corporation of America, LabCorp
Classification: Likely benign. Last evaluated: 2026-01-22. Review status: criteria provided, single submitter. Criteria: LabCorp Variant Classification Summary - May 2015. Collection method: clinical testing. Allele origin: germline.

Blueprint Genetics
Classification: Likely benign. Last evaluated: 2024-07-14. Review status: criteria provided, single submitter. Criteria: ACMG Guidelines, 2015. Collection method: clinical testing. Allele origin: germline.

GeneDx
Classification: Benign. Last evaluated: 2019-02-26. Review status: criteria provided, single submitter. Criteria: GeneDx Variant Classification Process June 2021. Collection method: clinical testing. Allele origin: germline. Affected: yes.

Illumina Laboratory Services, Illumina
Classification: Benign for Ehlers-Danlos syndrome, dermatosparaxis type. Last evaluated: 2018-01-13. Review status: criteria provided, single submitter. Criteria: ICSL Variant Classification Criteria 13 December 2019. Collection method: clinical testing. Allele origin: germline.
Comment: This variant was observed in the ICSL laboratory as part of a predisposition screen in an ostensibly healthy population. It had not been previously curated by ICSL or reported in the Human Gene Mutation Database (HGMD: prior to June 1st, 2018), and was therefore a candidate for classification through an automated scoring system. Utilizing variant allele frequency, disease prevalence and penetrance estimates, and inheritance mode, an automated score was calculated to assess if this variant is too frequent to cause the disease. Based on the score and internal cut-off values, a variant classified as benign is not then subjected to further curation. The score for this variant resulted in a classification of benign for this disease.

Natera, Inc.
Classification: Benign for Ehlers-Danlos syndrome type VIIC. Last evaluated: 2019-12-02. Review status: no assertion criteria provided. Collection method: clinical testing. Allele origin: germline. Not counted in ClinVar's aggregate classification.

NM_014244.5(ADAMTS2):c.1695C>T (p.Gly565=)

Gene: ADAMTS2 (ADAM metallopeptidase with thrombospondin type 1 motif 2; minus strand). Cytogenetic location: 5q35.3.
Variant type: single nucleotide variant.
Coding change: c.1695C>T on transcript NM_014244.5 (MANE Select); coding-DNA position 1695, C replaced by T.
Protein change: p.Gly565=; no amino-acid change (glycine 565 retained).
Molecular consequence: synonymous variant.
Genome position (GRCh38, 1-based): chr5:179,139,970, G>A on the plus strand (C>T on the coding strand, the complement: ADAMTS2 is on the minus strand). VCF-style: chr5-179139970-G-A. GRCh37 (hg19) VCF-style: chr5-178566971-G-A.
Identifiers: ClinVar variation 469665 (VCV000469665.21), dbSNP rs116708837, ClinGen allele CA3595806.